The following is an entry in ClinVar:

NM_018847.4(KLHL9):c.225T>G (p.Asp75Glu)

Gene: KLHL9 (kelch like family member 9; minus strand). Cytogenetic location: 9p21.3.
Variant type: single nucleotide variant.
Coding change: c.225T>G on transcript NM_018847.4 (MANE Select); coding-DNA position 225, T replaced by G.
Protein change: p.Asp75Glu; replaces aspartic acid 75 with glutamic acid.
Molecular consequence: missense variant.
Genome position (GRCh38, 1-based): chr9:21,334,635, A>C on the plus strand (T>G on the coding strand, the complement: KLHL9 is on the minus strand). VCF-style: chr9-21334635-A-C. GRCh37 (hg19) VCF-style: chr9-21334634-A-C.
Other names: short protein forms D75E.
Identifiers: ClinVar variation 1953325 (VCV001953325.5), dbSNP rs2537382449, ClinGen allele CA373075395.
Genomic context (GRCh38, chr9:21,334,635, plus strand): 5'-AAGCTTAATGCACATCAAATCTTGTTCTTTCATTCCACCTGTGAACATGGCTTTGAAATA[A>C]TCACTAGCAGACGCCATCATAGCTCTGTGAACAGGGAAGATTTCATCTCCATCACCTGGT-3'
Protein context (NP_061335.1, residues 65-85): VHRAMMASAS[Asp75Glu]YFKAMFTGGM

ClinVar aggregate classification (germline): Uncertain significance (1 of 4 stars; one submission).

Submission:

Labcorp Genetics (formerly Invitae), Labcorp
Classification: Uncertain significance. Last evaluated: 2023-08-09. Review status: criteria provided, single submitter. Criteria: Invitae Variant Classification Sherloc (09022015). Collection method: clinical testing. Allele origin: germline.
Comment: This variant has not been reported in the literature in individuals affected with KLHL9-related conditions. This sequence change replaces aspartic acid, which is acidic and polar, with glutamic acid, which is acidic and polar, at codon 75 of the KLHL9 protein (p.Asp75Glu). This variant is not present in population databases (gnomAD no frequency). ClinVar contains an entry for this variant (Variation ID: 1953325). Advanced modeling of protein sequence and biophysical properties (such as structural, functional, and spatial information, amino acid conservation, physicochemical variation, residue mobility, and thermodynamic stability) performed at Invitae indicates that this missense variant is not expected to disrupt KLHL9 protein function. In summary, the available evidence is currently insufficient to determine the role of this variant in disease. Therefore, it has been classified as a Variant of Uncertain Significance.